The following is an entry in ClinVar:

NM_016032.4(ZDHHC9):c.928C>T (p.Arg310Ter)

Gene: ZDHHC9 (zinc finger DHHC-type palmitoyltransferase 9; minus strand). Cytogenetic location: Xq26.1.
Variant type: single nucleotide variant.
Coding change: c.928C>T on transcript NM_016032.4 (MANE Select); coding-DNA position 928, C replaced by T.
Protein change: p.Arg310Ter; replaces arginine 310 with a stop codon.
Molecular consequence: nonsense.
Genome position (GRCh38, 1-based): chrX:129,810,955, G>A on the plus strand (C>T on the coding strand, the complement: ZDHHC9 is on the minus strand). VCF-style: chrX-129810955-G-A. GRCh37 (hg19) VCF-style: chrX-128944931-G-A.
Other names: c.928C>T, p.Arg310Ter (NM_001008222.3); short protein forms R310*.
Identifiers: ClinVar variation 546040 (VCV000546040.2), dbSNP rs1556004500, ClinGen allele CA414581339.

ClinVar aggregate classification (germline): Uncertain significance (1 of 4 stars; one submission).

Submission:

GeneDx
Classification: Uncertain significance. Last evaluated: 2018-05-22. Review status: criteria provided, single submitter. Criteria: GeneDx Variant Classification (06012015). Collection method: clinical testing. Allele origin: germline. Affected: yes.
Comment: A variant of uncertain significance has been identified in the ZDHHC9 gene. The R310X variant has not been reported previously as a pathogenic variant nor as a benign variant, to our knowledge. This variant is predicted to cause loss of normal protein function through protein truncation as the last 55 amino acids are lost. The R310X variant is not observed in large population cohorts (Lek et al., 2016). Based on the currently available information, it is unclear whether this variant is a pathogenic variant or a rare benign variant.